The following is an entry in ClinVar:

ClinVar aggregate classification (germline): Pathogenic (1 of 4 stars; one submission).

Conditions:
Deficiency of alpha-mannosidase (MANSA). Also called: LYSOSOMAL ALPHA-D-MANNOSIDASE DEFICIENCY; Mannosidosis, alpha-, types I and II; Alpha-Mannosidosis. Identifiers: Orphanet 61, MedGen C0024748, MONDO:0009561, OMIM 248500.

gnomAD v4.1: 1 of 1,614,234 alleles (0.000062%); highest among the groups gnomAD compares: Non-Finnish European, 0.000085%; no homozygotes.

Submission:

Labcorp Genetics (formerly Invitae), Labcorp
Classification: Pathogenic for Deficiency of alpha-mannosidase. Last evaluated: 2023-09-12. Review status: criteria provided, single submitter. Criteria: Invitae Variant Classification Sherloc (09022015). Collection method: clinical testing. Allele origin: germline.
Comment: For these reasons, this variant has been classified as Pathogenic. This variant has not been reported in the literature in individuals affected with MAN2B1-related conditions. This variant is not present in population databases (gnomAD no frequency). This sequence change creates a premature translational stop signal (p.Gln386*) in the MAN2B1 gene. It is expected to result in an absent or disrupted protein product. Loss-of-function variants in MAN2B1 are known to be pathogenic (PMID: 9915946, 22161967).

Literature cited by the submitters: PubMed 9915946; PubMed 22161967.

NM_000528.4(MAN2B1):c.1156C>T (p.Gln386Ter)

Gene: MAN2B1 (mannosidase alpha class 2B member 1; minus strand). Cytogenetic location: 19p13.13.
Variant type: single nucleotide variant.
Coding change: c.1156C>T on transcript NM_000528.4 (MANE Select); coding-DNA position 1156, C replaced by T.
Protein change: p.Gln386Ter; replaces glutamine 386 with a stop codon.
Molecular consequence: nonsense.
Genome position (GRCh38, 1-based): chr19:12,658,298, G>A on the plus strand (C>T on the coding strand, the complement: MAN2B1 is on the minus strand). VCF-style: chr19-12658298-G-A. GRCh37 (hg19) VCF-style: chr19-12769112-G-A.
Other names: c.1153C>T, p.Gln385Ter (NM_001173498.2); short protein forms Q385*, Q386*.
Identifiers: ClinVar variation 2760312 (VCV002760312.3), dbSNP rs1447244591, ClinGen allele CA404248193.